The following is an entry in ClinVar:

ClinVar aggregate classification (germline): Uncertain significance (1 of 4 stars; one submission).

Conditions:
Muscular dystrophy-dystroglycanopathy (congenital with brain and eye anomalies), type a, 8 (MDDGA8). Also called: WALKER-WARBURG SYNDROME OR MUSCLE-EYE-BRAIN DISEASE, GTDC2-RELATED. Identifiers: Orphanet 899, MedGen C3553813, MONDO:0013904, OMIM 614830.

Submission:

Labcorp Genetics (formerly Invitae), Labcorp
Classification: Uncertain significance for Muscular dystrophy-dystroglycanopathy (congenital with brain and eye anomalies), type a, 8. Last evaluated: 2019-12-27. Review status: criteria provided, single submitter. Criteria: Invitae Variant Classification Sherloc (09022015). Collection method: clinical testing. Allele origin: germline.
Comment: This sequence change replaces leucine with methionine at codon 417 of the POMGNT2 protein (p.Leu417Met). The leucine residue is highly conserved and there is a small physicochemical difference between leucine and methionine. This variant is not present in population databases (ExAC no frequency). This variant has not been reported in the literature in individuals with POMGNT2-related conditions. Algorithms developed to predict the effect of missense changes on protein structure and function are either unavailable or do not agree on the potential impact of this missense change (SIFT: "Deleterious"; PolyPhen-2: "Probably Damaging"; Align-GVGD: "Class C0"). In summary, the available evidence is currently insufficient to determine the role of this variant in disease. Therefore, it has been classified as a Variant of Uncertain Significance.

NM_032806.6(POMGNT2):c.1249C>A (p.Leu417Met)

Gene: POMGNT2 (protein O-linked mannose N-acetylglucosaminyltransferase 2 (beta 1,4-); minus strand). Cytogenetic location: 3p22.1.
Variant type: single nucleotide variant.
Coding change: c.1249C>A on transcript NM_032806.6 (MANE Select); coding-DNA position 1249, C replaced by A.
Protein change: p.Leu417Met; replaces leucine 417 with methionine.
Molecular consequence: missense variant.
Genome position (GRCh38, 1-based): chr3:43,080,183, G>T on the plus strand (C>A on the coding strand, the complement: POMGNT2 is on the minus strand). VCF-style: chr3-43080183-G-T. GRCh37 (hg19) VCF-style: chr3-43121675-G-T.
Other names: short protein forms L417M.
Identifiers: ClinVar variation 858996 (VCV000858996.1), dbSNP rs2089835416, ClinGen allele CA352301530.